The following is an entry in ClinVar:

NM_001385641.1(SAMD11):c.791+1G>A

Gene: SAMD11 (sterile alpha motif domain containing 11; plus strand). Cytogenetic location: 1p36.33.
Variant type: single nucleotide variant.
Coding change: c.791+1G>A on transcript NM_001385641.1 (MANE Select); the canonical splice donor site of the intron after coding-DNA position 791, G replaced by A.
Molecular consequence: splice donor variant.
Genome position (GRCh38, 1-based): chr1:930,337, G>A. VCF-style: chr1-930337-G-A. GRCh37 (hg19) VCF-style: chr1-865717-G-A.
Other names: c.791+1G>A (NM_001385640.1); c.254+1G>A (NM_152486.4).
Identifiers: ClinVar variation 1934773 (VCV001934773.5), dbSNP rs375781587, ClinGen allele CA502469.

ClinVar aggregate classification (germline): Uncertain significance (1 of 4 stars; one submission).

Allele frequency attached by ClinVar (database versions not stated): gnomAD 0.00001; ExAC 0.00002; TOPMed 0.00002; ESP Exome Variant Server 0.00008.

Submission:

Labcorp Genetics (formerly Invitae), Labcorp
Classification: Uncertain significance. Last evaluated: 2022-09-27. Review status: criteria provided, single submitter. Criteria: Invitae Variant Classification Sherloc (09022015). Collection method: clinical testing. Allele origin: germline.
Comment: In summary, the available evidence is currently insufficient to determine the role of this variant in disease. Therefore, it has been classified as a Variant of Uncertain Significance. Algorithms developed to predict the effect of sequence changes on RNA splicing suggest that this variant may disrupt the consensus splice site. This variant has not been reported in the literature in individuals affected with SAMD11-related conditions. This variant is present in population databases (rs375781587, gnomAD 0.02%). This sequence change affects a donor splice site in intron 3 of the SAMD11 gene. It is expected to disrupt RNA splicing. Variants that disrupt the donor or acceptor splice site typically lead to a loss of protein function (PMID: 16199547), however the current clinical and genetic evidence is not sufficient to establish whether loss-of-function variants in SAMD11 cause disease.

Literature cited by the submitters: PubMed 16199547.